The following is an entry in ClinVar:

ClinVar aggregate classification (germline): Uncertain significance (1 of 4 stars; one submission).

Allele frequency attached by ClinVar (database versions not stated): gnomAD exomes 0.00001; ExAC 0.00002; gnomAD 0.00003; TOPMed 0.00003; ESP Exome Variant Server 0.00008.
gnomAD v4.1: 17 of 1,612,180 alleles (0.0011%); highest among the groups gnomAD compares: Middle Eastern, 0.016%; no homozygotes.

Submission:

CeGaT Center for Human Genetics Tuebingen
Classification: Uncertain significance. Last evaluated: 2023-08-01. Review status: criteria provided, single submitter. Criteria: CeGaT Center For Human Genetics Tuebingen Variant Classification Criteria Version 2. Collection method: clinical testing. Allele origin: germline. Affected: yes. Observed: 3 variant alleles.
Comment: COQ8A: PM2, PM3:Supporting

NM_020247.5(COQ8A):c.544C>T (p.Arg182Trp)

Gene: COQ8A (coenzyme Q8A; plus strand). Cytogenetic location: 1q42.13.
Variant type: single nucleotide variant.
Coding change: c.544C>T on transcript NM_020247.5 (MANE Select); coding-DNA position 544, C replaced by T.
Protein change: p.Arg182Trp; replaces arginine 182 with tryptophan.
Molecular consequence: missense variant.
Genome position (GRCh38, 1-based): chr1:226,965,366, C>T. VCF-style: chr1-226965366-C-T. GRCh37 (hg19) VCF-style: chr1-227153067-C-T.
Other names: short protein forms R182W.
Identifiers: ClinVar variation 2578597 (VCV002578597.25), dbSNP rs371273838, ClinGen allele CA1425034.